The following is an entry in ClinVar:

ClinVar aggregate classification (germline): Pathogenic (1 of 4 stars; one submission).

Conditions:
Hereditary cancer-predisposing syndrome. Also called: Neoplastic Syndromes, Hereditary; Tumor predisposition; Hereditary neoplastic syndrome; Hereditary Cancer Syndrome. Identifiers: Orphanet 140162, MedGen C0027672, MeSH D009386, MONDO:0015356.

Submission:

Ambry Genetics
Classification: Pathogenic for Hereditary cancer-predisposing syndrome. Last evaluated: 2026-09-03. Review status: criteria provided, single submitter. Criteria: Ambry Variant Classification Scheme 2023. Collection method: clinical testing. Allele origin: germline.
Comment: The c.299dupA pathogenic mutation, located in coding exon 3 of the SDHAF2 gene, results from a duplication of A at nucleotide position 299, causing a translational frameshift with a predicted alternate stop codon (p.Q101Afs*6). This variant occurs at the 3' terminus of the gene, is not expected to trigger nonsense-mediated mRNA decay, and impacts the last 40% of the protein. However, premature stop codons are typically deleterious in nature and a significant portion of the protein is affected, and the impacted region is critical for protein function (Ambry internal data). This variant is considered to be rare based on population cohorts in the Genome Aggregation Database (gnomAD). Based on the supporting evidence, this variant is interpreted as a disease-causing mutation.

NM_017841.4(SDHAF2):c.299dup (p.Gln101fs)

Gene: SDHAF2 (succinate dehydrogenase complex assembly factor 2; plus strand). Cytogenetic location: 11q12.2.
Variant type: Duplication.
Coding change: c.299dup on transcript NM_017841.4 (MANE Select); coding-DNA position 299, one base duplicated (A; older notation c.299dupA).
Protein change: p.Gln101fs; shifts the reading frame from glutamine 101.
Molecular consequence: frameshift variant.
Genome position (GRCh38, 1-based): chr11:61,438,042, A duplicated; the last of 4 consecutive A bases (chr11:61,438,039-61,438,042); duplicating any one gives the same sequence. VCF-style (leftmost placement, unchanged base first): chr11-61438038-G-GA. GRCh37 (hg19) VCF-style: chr11-61205510-G-GA.
Other names: c.299dupA (NM_017841.2); short protein forms Q101fs.
Identifiers: ClinVar variation 5029251 (VCV005029251.1).